The following is an entry in ClinVar:

NM_152594.3(SPRED1):c.*4472C>A

Gene: SPRED1 (sprouty related EVH1 domain containing 1; plus strand). Cytogenetic location: 15q14.
Variant type: single nucleotide variant.
Coding change: c.*4472C>A on transcript NM_152594.3 (MANE Select); 4472 bases downstream of the stop codon, C replaced by A.
Molecular consequence: 3 prime UTR variant.
Genome position (GRCh38, 1-based): chr15:38,356,136, C>A. VCF-style: chr15-38356136-C-A. GRCh37 (hg19) VCF-style: chr15-38648337-C-A.
Identifiers: ClinVar variation 315779 (VCV000315779.29), dbSNP rs541556786, ClinGen allele CA10641706.

ClinVar aggregate classification (germline): Conflicting classifications of pathogenicity. Review status: criteria provided, conflicting classifications (1 of 4 stars). 2 submissions from 2 submitters: Uncertain significance (1); Benign (1). Last evaluated 2022-09-01.

Conditions:
Legius syndrome. Identifiers: Orphanet 137605, MedGen C1969623, MONDO:0012669, OMIM 611431. Disease mechanism: loss of function.

Allele frequency attached by ClinVar (database versions not stated): 1000 Genomes Project 30x 0.00016; 1000 Genomes Project 0.00020; gnomAD 0.00070 and 0.00071; TOPMed 0.00076.

Submissions (2):

CeGaT Center for Human Genetics Tuebingen
Classification: Benign. Last evaluated: 2022-09-01. Review status: criteria provided, single submitter. Criteria: CeGaT Center For Human Genetics Tuebingen Variant Classification Criteria Version 2. Collection method: clinical testing. Allele origin: germline. Affected: yes. Observed: 2 variant alleles.
Comment: SPRED1: BS1, BS2

Illumina Laboratory Services, Illumina
Classification: Uncertain significance for Legius syndrome. Last evaluated: 2018-01-13. Review status: criteria provided, single submitter. Criteria: ICSL Variant Classification Criteria 13 December 2019. Collection method: clinical testing. Allele origin: germline.